The following is an entry in ClinVar:

ClinVar aggregate classification (germline): Likely benign (0 of 4 stars; one submission).

Conditions:
MAPKBP1-related disorder. Also called: MAPKBP1-related condition.

Allele frequency attached by ClinVar (database versions not stated): TOPMed 0.00001; gnomAD 0.00002; ExAC 0.00004; gnomAD exomes 0.00006.
gnomAD v4.1: 88 of 1,614,030 alleles (0.0055%); highest among the groups gnomAD compares: Non-Finnish European, 0.0071%; no homozygotes.

Submission:

PreventionGenetics, part of Exact Sciences
Classification: Likely benign for MAPKBP1-related condition. Last evaluated: 2019-05-09. Review status: no assertion criteria provided. Collection method: clinical testing. Allele origin: germline.
Comment: This variant is classified as likely benign based on ACMG/AMP sequence variant interpretation guidelines (Richards et al. 2015 PMID: 25741868, with internal and published modifications).

NM_014994.3(MAPKBP1):c.1461T>C (p.His487=)

Gene: MAPKBP1 (mitogen-activated protein kinase binding protein 1; plus strand). Cytogenetic location: 15q15.1.
Variant type: single nucleotide variant.
Coding change: c.1461T>C on transcript NM_014994.3 (MANE Select); coding-DNA position 1461, T replaced by C.
Protein change: p.His487=; no amino-acid change (histidine 487 retained).
Molecular consequence: synonymous variant. On other transcripts: non-coding transcript variant (2).
Genome position (GRCh38, 1-based): chr15:41,815,767, T>C. VCF-style: chr15-41815767-T-C. GRCh37 (hg19) VCF-style: chr15-42107965-T-C.
Other names: c.1479T>C, p.His493= (NM_001128608.2); c.1461T>C, p.His487= (NM_001265611.2).
Identifiers: ClinVar variation 3041926 (VCV003041926.2), dbSNP rs754894838, ClinGen allele CA7497829.